The following is an entry in ClinVar:

NM_002661.5(PLCG2):c.3388G>T (p.Ala1130Ser)

Gene: PLCG2 (phospholipase C gamma 2; plus strand). Cytogenetic location: 16q23.3.
Variant type: single nucleotide variant.
Coding change: c.3388G>T on transcript NM_002661.5 (MANE Select); coding-DNA position 3388, G replaced by T.
Protein change: p.Ala1130Ser; replaces alanine 1130 with serine.
Molecular consequence: missense variant.
Genome position (GRCh38, 1-based): chr16:81,939,966, G>T. VCF-style: chr16-81939966-G-T. GRCh37 (hg19) VCF-style: chr16-81973571-G-T.
Other names: short protein forms A1130S.
Identifiers: ClinVar variation 571352 (VCV000571352.14), dbSNP rs1003946385, ClinGen allele CA285195004.
Genomic context (GRCh38, chr16:81,939,966, plus strand): 5'-AGCCCTATCTGGGCTCCAACACAGGAGAAGGTGACATTTGAAATTTATGACCCAAACCTG[G>T]CATTTCTGCGCTTTGTGGTTTATGAAGAAGATATGTTCAGCGATCCCAACTTTCTTGCTC-3'
Protein context (NP_002652.2, residues 1120-1140): VTFEIYDPNL[Ala1130Ser]FLRFVVYEED

ClinVar aggregate classification (germline): Uncertain significance. Review status: criteria provided, multiple submitters, no conflicts (2 of 4 stars). 3 submissions from 3 submitters: Uncertain significance (3). Last evaluated 2025-09-14.

Conditions:
Familial cold autoinflammatory syndrome 3 (FCAS3). Also called: ANTIBODY DEFICIENCY AND IMMUNE DYSREGULATION, PLCG2-ASSOCIATED; FAMILIAL ATYPICAL COLD URTICARIA. Identifiers: Orphanet 300359, MedGen C3280914, MONDO:0013766, OMIM 614468.
Autoinflammation-PLCG2-associated antibody deficiency-immune dysregulation. Also called: AUTOINFLAMMATION, ANTIBODY DEFICIENCY, AND IMMUNE DYSREGULATION; Autoinflammation, antibody deficiency, and immune dysregulation syndrome; Autoinflammation, antibody deficiency, and immune dysregulation, plcg2-associated. Identifiers: Orphanet 324530, MedGen C3553961, MONDO:0013944, OMIM 614878.

Allele frequency attached by ClinVar (database versions not stated): gnomAD exomes 0.00001; TOPMed 0.00002.
gnomAD v4.1: 21 of 1,613,798 alleles (0.0013%); highest among the groups gnomAD compares: Non-Finnish European, 0.0016%; no homozygotes.

Submissions (3):

Labcorp Genetics (formerly Invitae), Labcorp
Classification: Uncertain significance for Familial cold autoinflammatory syndrome 3. Last evaluated: 2025-09-14. Review status: criteria provided, single submitter. Criteria: Invitae Variant Classification Sherloc (09022015). Collection method: clinical testing. Allele origin: germline.
Comment: This sequence change replaces alanine, which is neutral and non-polar, with serine, which is neutral and polar, at codon 1130 of the PLCG2 protein (p.Ala1130Ser). This variant is present in population databases (no rsID available, gnomAD 0.002%). This variant has not been reported in the literature in individuals affected with PLCG2-related conditions. ClinVar contains an entry for this variant (Variation ID: 571352). An algorithm developed to predict the effect of missense changes on protein structure and function (PolyPhen-2) suggests that this variant is likely to be disruptive. In summary, the available evidence is currently insufficient to determine the role of this variant in disease. Therefore, it has been classified as a Variant of Uncertain Significance.

Fulgent Genetics
Classification: Uncertain significance for Familial cold autoinflammatory syndrome 3; Autoinflammation-PLCG2-associated antibody deficiency-immune dysregulation. Last evaluated: 2022-04-24. Review status: criteria provided, single submitter. Criteria: ACMG Guidelines, 2015. Collection method: clinical testing. Allele origin: unknown.

Mayo Clinic Laboratories, Mayo Clinic
Classification: Uncertain significance. Last evaluated: 2020-06-10. Review status: criteria provided, single submitter. Criteria: ACMG Guidelines, 2015. Collection method: clinical testing. Allele origin: germline. Observed: 1 variant allele.